The following is an entry in ClinVar:

NM_014236.4(GNPAT):c.405G>A (p.Ser135=)

Gene: GNPAT (glyceronephosphate O-acyltransferase; plus strand). Cytogenetic location: 1q42.2.
Variant type: single nucleotide variant.
Coding change: c.405G>A on transcript NM_014236.4 (MANE Select); coding-DNA position 405, G replaced by A.
Protein change: p.Ser135=; no amino-acid change (serine 135 retained).
Molecular consequence: synonymous variant.
Genome position (GRCh38, 1-based): chr1:231,260,650, G>A. VCF-style: chr1-231260650-G-A. GRCh37 (hg19) VCF-style: chr1-231396396-G-A.
Other names: c.222G>A, p.Ser74= (NM_001316350.2).
Identifiers: ClinVar variation 387738 (VCV000387738.8), dbSNP rs768674644, ClinGen allele CA1451783.
Genomic context (GRCh38, chr1:231,260,650, plus strand): 5'-TCTTGGAGCCATTCGGTTTTGTGCCTTCACCCTGAGCAAAGTATTTAAACAAATTTTCTC[G>A]AAGGTGTGTGTAAATGAAGAAGGTATTCAGAAAGTGAGTATTGATTATTAAAAAAATAAA-3'
Protein context (NP_055051.1, residues 125-145): TLSKVFKQIF[Ser135=]KVCVNEEGIQ

ClinVar aggregate classification (germline): Likely benign. Review status: criteria provided, multiple submitters, no conflicts (2 of 4 stars). 2 submissions from 2 submitters: Likely benign (2). Last evaluated 2025-04-09.

Allele frequency attached by ClinVar (database versions not stated): TOPMed 0.00003; gnomAD exomes 0.00001 and 0.00002; ExAC 0.00002; gnomAD 0.00002.
gnomAD v4.1: 22 of 1,611,856 alleles (0.0014%); highest among the groups gnomAD compares: Admixed American, 0.0033%; no homozygotes.

Submissions (2):

Labcorp Genetics (formerly Invitae), Labcorp
Classification: Likely benign. Last evaluated: 2025-04-09. Review status: criteria provided, single submitter. Criteria: Invitae Variant Classification Sherloc (09022015). Collection method: clinical testing. Allele origin: germline.

GeneDx
Classification: Likely benign. Last evaluated: 2016-07-15. Review status: criteria provided, single submitter. Criteria: GeneDx Variant Classification (06012015). Collection method: clinical testing. Allele origin: germline. Affected: yes.
Comment: This variant is considered likely benign or benign based on one or more of the following criteria: it is a conservative change, it occurs at a poorly conserved position in the protein, it is predicted to be benign by multiple in silico algorithms, and/or has population frequency not consistent with disease.